The following is an entry in ClinVar:

ClinVar aggregate classification (germline): Likely benign (1 of 4 stars; one submission).

Allele frequency attached by ClinVar (database versions not stated): ExAC 0.00346; gnomAD exomes 0.00026; 1000 Genomes Project 0.00180; 1000 Genomes Project 30x 0.00187; TOPMed 0.00205; gnomAD 0.00206.

Submission:

CeGaT Center for Human Genetics Tuebingen
Classification: Likely benign. Last evaluated: 2024-04-01. Review status: criteria provided, single submitter. Criteria: CeGaT Center For Human Genetics Tuebingen Variant Classification Criteria Version 2. Collection method: clinical testing. Allele origin: germline. Affected: yes. Observed: 1 variant allele.
Comment: TIGD1: BP4, BP7

NM_145702.4(TIGD1):c.1395G>A (p.Ala465=)

Gene: TIGD1 (tigger transposable element derived 1; minus strand). Cytogenetic location: 2q37.1.
Variant type: single nucleotide variant.
Coding change: c.1395G>A on transcript NM_145702.4 (MANE Select); coding-DNA position 1395, G replaced by A.
Protein change: p.Ala465=; no amino-acid change (alanine 465 retained).
Molecular consequence: synonymous variant.
Genome position (GRCh38, 1-based): chr2:232,548,488, C>T on the plus strand (G>A on the coding strand, the complement: TIGD1 is on the minus strand). VCF-style: chr2-232548488-C-T. GRCh37 (hg19) VCF-style: chr2-233413198-C-T.
Identifiers: ClinVar variation 3234334 (VCV003234334.20), dbSNP rs190478662, ClinGen allele CA2169134.